The following is an entry in ClinVar:

NM_005026.5(PIK3CD):c.1939C>G (p.Leu647Val)

Gene: PIK3CD (phosphatidylinositol-4,5-bisphosphate 3-kinase catalytic subunit delta; plus strand). Cytogenetic location: 1p36.22.
Variant type: single nucleotide variant.
Coding change: c.1939C>G on transcript NM_005026.5 (MANE Select); coding-DNA position 1939, C replaced by G.
Protein change: p.Leu647Val; replaces leucine 647 with valine.
Molecular consequence: missense variant.
Genome position (GRCh38, 1-based): chr1:9,721,571, C>G. VCF-style: chr1-9721571-C-G. GRCh37 (hg19) VCF-style: chr1-9781629-C-G.
Other names: c.1936C>G, p.Leu646Val (NM_001350234.2); c.1852C>G, p.Leu618Val (NM_001350235.1); short protein forms L618V, L646V, L647V.
Identifiers: ClinVar variation 1317455 (VCV001317455.2), dbSNP rs767226031, ClinGen allele CA577364.

ClinVar aggregate classification (germline): Uncertain significance (1 of 4 stars; one submission).

Allele frequency attached by ClinVar (database versions not stated): gnomAD exomes below 0.00001; ExAC 0.00001; TOPMed 0.00001.
gnomAD v4.1: 10 of 1,613,488 alleles (0.00062%); highest among the groups gnomAD compares: Non-Finnish European, 0.00051%; no homozygotes.

Submission:

GeneDx
Classification: Uncertain significance. Last evaluated: 2019-10-28. Review status: criteria provided, single submitter. Criteria: GeneDx Variant Classification Process June 2021. Collection method: clinical testing. Allele origin: germline. Affected: yes.
Comment: In silico analysis, which includes protein predictors and evolutionary conservation, supports a deleterious effect; Has not been previously published as pathogenic or benign to our knowledge